The following is an entry in ClinVar:

NM_000433.4(NCF2):c.818_832del (p.Gly273_Trp277del)

Gene: NCF2 (neutrophil cytosolic factor 2; minus strand). Cytogenetic location: 1q25.3.
Variant type: Deletion.
Coding change: c.818_832del on transcript NM_000433.4 (MANE Select); coding-DNA positions 818 to 832, 15 bases deleted (GCAATGATAACTGGG).
Protein change: p.Gly273_Trp277del.
Molecular consequence: inframe deletion.
Genome position (GRCh38, 1-based): chr1:183,567,227-183,567,241, CCCAGTTATCATTGC deleted on the plus strand (GCAATGATAACTGGG on the coding strand, the reverse complement: NCF2 is on the minus strand); deleting any 15 consecutive bases within chr1:183,567,227-183,567,243 gives the same sequence; the c. name uses the placement nearest the transcript's 3' end. VCF-style (leftmost placement, unchanged base first): chr1-183567226-GCCCAGTTATCATTGC-G. GRCh37 (hg19) VCF-style: chr1-183536361-GCCCAGTTATCATTGC-G.
Other names: c.818_832del, p.Gly273_Trp277del (NM_001127651.3); c.575_589del, p.Gly192_Trp196del (NM_001190789.2); c.683_697del, p.Gly228_Trp232del (NM_001190794.2).
Identifiers: ClinVar variation 939717 (VCV000939717.10), dbSNP rs1672345384, ClinGen allele CA1139656447.

ClinVar aggregate classification (germline): Uncertain significance (1 of 4 stars; one submission).

Conditions:
Granulomatous disease, chronic, autosomal recessive, cytochrome b-positive, type 2. Also called: Chronic granulomatous disease due to deficiency of NCF-2; GRANULOMATOUS DISEASE, CHRONIC, DUE TO NCF2 DEFICIENCY; CGD, AUTOSOMAL RECESSIVE CYTOCHROME b-POSITIVE, TYPE II; GRANULOMATOUS DISEASE, CHRONIC, AUTOSOMAL RECESSIVE, 2; Chronic Granulomatous Disease, Autosomal Recessive, Cytochrome b-Positive, Type II. Identifiers: Orphanet 379, MedGen C1856245, MONDO:0009310, OMIM 233710.

Submission:

Labcorp Genetics (formerly Invitae), Labcorp
Classification: Uncertain significance for Granulomatous disease, chronic, autosomal recessive, cytochrome b-positive, type 2. Last evaluated: 2019-05-31. Review status: criteria provided, single submitter. Criteria: Invitae Variant Classification Sherloc (09022015). Collection method: clinical testing. Allele origin: germline.
Comment: In summary, the available evidence is currently insufficient to determine the role of this variant in disease. Therefore, it has been classified as a Variant of Uncertain Significance. Experimental studies and prediction algorithms are not available or were not evaluated for this variant, and the functional significance of the affected amino acid(s) is currently unknown. This variant has not been reported in the literature in individuals with NCF2-related conditions. This variant is not present in population databases (ExAC no frequency). This variant, c.818_832del, results in the deletion of 5 amino acid(s) of the NCF2 protein (p.Gly273_Trp277del), but otherwise preserves the integrity of the reading frame.